The following is an entry in ClinVar:

ClinVar aggregate classification (germline): Uncertain significance (1 of 4 stars; one submission).

Submission:

GeneDx
Classification: Uncertain significance. Last evaluated: 2025-06-20. Review status: criteria provided, single submitter. Criteria: GeneDx Variant Classification Process June 2021. Collection method: clinical testing. Allele origin: germline. Affected: yes.
Comment: Not observed at significant frequency in large population cohorts (gnomAD); In-frame deletion of 2 amino acid(s) and insertion of 2 different amino acid(s) in a non-repeat region; In silico analysis suggests that this variant does not alter protein structure/function; Has not been previously published as pathogenic or benign to our knowledge

NM_001005273.3(CHD3):c.1881_1882delinsTT (p.Lys627_Pro628delinsAsnSer)

Gene: CHD3 (chromodomain helicase DNA binding protein 3; plus strand). Cytogenetic location: 17p13.1.
Variant type: Indel.
Coding change: c.1881_1882delinsTT on transcript NM_001005273.3 (MANE Select); coding-DNA positions 1881 to 1882, GC replaced by TT.
Protein change: p.Lys627_Pro628delinsAsnSer.
Molecular consequence: missense variant.
Genome position (GRCh38, 1-based): chr17:7,897,256-7,897,257, GC replaced by TT. VCF-style: chr17-7897256-GC-TT. GRCh37 (hg19) VCF-style: chr17-7800574-GC-TT.
Other names: c.2058_2059delinsTT, p.Lys686_Pro687delinsAsnSer (NM_001005271.3, NM_001437504.1); c.2046_2047delinsTT, p.Lys682_Pro683delinsAsnSer (NM_001437507.1, NM_001437508.1, NM_001437509.1); c.1881_1882delinsTT, p.Lys627_Pro628delinsAsnSer (NM_005852.4).
Identifiers: ClinVar variation 4540262 (VCV004540262.1).
Genomic context (GRCh38, chr17:7,897,256, plus strand): 5'-TAAAGTGAAAGACCCGCACTATGCTGAGATGGAGGAGAAGTACTATCGTTTTGGCATCAA[GC>TT]CAGAGTGGATGACCGTCCACCGCATCATCAACCACAGGTGAATCCTCGGTCCCTGGGAAG-3'